The following is an entry in ClinVar:

ClinVar aggregate classification (germline): Uncertain significance. Review status: criteria provided, multiple submitters, no conflicts (2 of 4 stars). 6 submissions from 6 submitters: Uncertain significance (5). 1 of the submissions does not count toward it. Last evaluated 2025-01-18.

Conditions:
INPP5E-related disorder. Also called: INPP5E-related condition.
Inborn genetic diseases. Identifiers: MedGen C0950123, MeSH D030342.
Joubert syndrome. Also called: JOUBERT-BOLTSHAUSER SYNDROME; Familial aplasia of the vermis. Identifiers: Orphanet 475, MedGen C5979921, MONDO:0018772.
Joubert syndrome 1 (JBTS1). Also called: CEREBELLOPARENCHYMAL DISORDER IV; Cerebellooculorenal syndrome 1. Identifiers: MedGen C4551568, MONDO:0008944, OMIM 213300.

Allele frequency attached by ClinVar (database versions not stated): gnomAD exomes 0.00013 and 0.00014; ESP Exome Variant Server 0.00024; gnomAD 0.00006 and 0.00007; TOPMed 0.00007; ExAC 0.00010.

Submissions (6):

Ambry Genetics
Classification: Uncertain significance for Inborn genetic diseases. Last evaluated: 2025-01-18. Review status: criteria provided, single submitter. Criteria: Ambry Variant Classification Scheme 2023. Collection method: clinical testing. Allele origin: germline.

Blueprint Genetics
Classification: Uncertain significance. Last evaluated: 2024-10-15. Review status: criteria provided, single submitter. Criteria: ACMG Guidelines, 2015. Collection method: clinical testing. Allele origin: germline.

GeneDx
Classification: Uncertain significance. Last evaluated: 2023-06-01. Review status: criteria provided, single submitter. Criteria: GeneDx Variant Classification Process June 2021. Collection method: clinical testing. Allele origin: germline. Affected: yes.
Comment: In silico analysis supports that this missense variant does not alter protein structure/function; Has not been previously published as pathogenic or benign to our knowledge; This variant is associated with the following publications: (PMID: 23386033)

Labcorp Genetics (formerly Invitae), Labcorp
Classification: Uncertain significance for Joubert syndrome. Last evaluated: 2022-08-16. Review status: criteria provided, single submitter. Criteria: Invitae Variant Classification Sherloc (09022015). Collection method: clinical testing. Allele origin: germline.
Comment: This sequence change replaces threonine, which is neutral and polar, with isoleucine, which is neutral and non-polar, at codon 442 of the INPP5E protein (p.Thr442Ile). This variant is present in population databases (rs201043370, gnomAD 0.02%). This variant has not been reported in the literature in individuals affected with INPP5E-related conditions. ClinVar contains an entry for this variant (Variation ID: 365885). Advanced modeling of protein sequence and biophysical properties (such as structural, functional, and spatial information, amino acid conservation, physicochemical variation, residue mobility, and thermodynamic stability) performed at Invitae indicates that this missense variant is not expected to disrupt INPP5E protein function. In summary, the available evidence is currently insufficient to determine the role of this variant in disease. Therefore, it has been classified as a Variant of Uncertain Significance.

Illumina Laboratory Services, Illumina
Classification: Uncertain significance for Joubert syndrome 1. Last evaluated: 2018-01-13. Review status: criteria provided, single submitter. Criteria: ICSL Variant Classification Criteria 13 December 2019. Collection method: clinical testing. Allele origin: germline.

PreventionGenetics, part of Exact Sciences
Classification: Uncertain significance for INPP5E-related condition. Last evaluated: 2024-04-29. Review status: no assertion criteria provided. Collection method: clinical testing. Allele origin: germline. Not counted in ClinVar's aggregate classification.
Comment: The INPP5E c.1325C>T variant is predicted to result in the amino acid substitution p.Thr442Ile. To our knowledge, this variant has not been reported in the literature. This variant is reported in 0.024% of alleles in individuals of European (Non-Finnish) descent in gnomAD. At this time, the clinical significance of this variant is uncertain due to the absence of conclusive functional and genetic evidence.

NM_019892.6(INPP5E):c.1325C>T (p.Thr442Ile)

Gene: INPP5E (inositol polyphosphate-5-phosphatase E; minus strand). Cytogenetic location: 9q34.3.
Variant type: single nucleotide variant.
Coding change: c.1325C>T on transcript NM_019892.6 (MANE Select); coding-DNA position 1325, C replaced by T.
Protein change: p.Thr442Ile; replaces threonine 442 with isoleucine.
Molecular consequence: missense variant.
Genome position (GRCh38, 1-based): chr9:136,432,541, G>A on the plus strand (C>T on the coding strand, the complement: INPP5E is on the minus strand). VCF-style: chr9-136432541-G-A. GRCh37 (hg19) VCF-style: chr9-139326993-G-A.
Other names: c.1322C>T, p.Thr441Ile (NM_001318502.2); c.1325C>T (NM_019892.5); short protein forms T442I, T441I.
Identifiers: ClinVar variation 365885 (VCV000365885.16), dbSNP rs201043370, ClinGen allele CA5336842.